The following is an entry in ClinVar:

NM_152515.5(CKAP2L):c.262T>C (p.Ser88Pro)

Gene: CKAP2L (cytoskeleton associated protein 2 like; minus strand). Cytogenetic location: 2q14.1.
Variant type: single nucleotide variant.
Coding change: c.262T>C on transcript NM_152515.5 (MANE Select); coding-DNA position 262, T replaced by C.
Protein change: p.Ser88Pro; replaces serine 88 with proline.
Molecular consequence: missense variant. On other transcripts: 5 prime UTR variant (1), non-coding transcript variant (1).
Genome position (GRCh38, 1-based): chr2:112,757,109, A>G on the plus strand (T>C on the coding strand, the complement: CKAP2L is on the minus strand). VCF-style: chr2-112757109-A-G. GRCh37 (hg19) VCF-style: chr2-113514686-A-G.
Other names: c.-234T>C (NM_001304361.2); short protein forms S88P.
Identifiers: ClinVar variation 2176590 (VCV002176590.4), dbSNP rs769111717, ClinGen allele CA1836872.

ClinVar aggregate classification (germline): Uncertain significance (1 of 4 stars; one submission).

Allele frequency attached by ClinVar (database versions not stated): TOPMed 0.00002; gnomAD 0.00003.
gnomAD v4.1: 23 of 1,614,006 alleles (0.0014%); highest among the groups gnomAD compares: Non-Finnish European, 0.0018%; no homozygotes.

Submission:

Labcorp Genetics (formerly Invitae), Labcorp
Classification: Uncertain significance. Last evaluated: 2022-01-12. Review status: criteria provided, single submitter. Criteria: Invitae Variant Classification Sherloc (09022015). Collection method: clinical testing. Allele origin: germline.
Comment: In summary, the available evidence is currently insufficient to determine the role of this variant in disease. Therefore, it has been classified as a Variant of Uncertain Significance. Algorithms developed to predict the effect of missense changes on protein structure and function output the following: SIFT: "Tolerated"; PolyPhen-2: "Benign"; Align-GVGD: "Class C0". The proline amino acid residue is found in multiple mammalian species, which suggests that this missense change does not adversely affect protein function. This variant has not been reported in the literature in individuals affected with CKAP2L-related conditions. This variant is present in population databases (rs769111717, gnomAD 0.004%). This sequence change replaces serine, which is neutral and polar, with proline, which is neutral and non-polar, at codon 88 of the CKAP2L protein (p.Ser88Pro).